The following is an entry in ClinVar:

ClinVar aggregate classification (germline): Benign (0 of 4 stars; one submission).

Conditions:
CELSR1-related disorder. Also called: CELSR1-related condition.

Allele frequency attached by ClinVar (database versions not stated): 1000 Genomes Project 30x 0.00203; 1000 Genomes Project 0.00240.
gnomAD v4.1: 897 of 1,613,800 alleles (0.056%); highest among the groups gnomAD compares: South Asian, 0.9%; 14 homozygotes.

Submission:

PreventionGenetics, part of Exact Sciences
Classification: Benign for CELSR1-related condition. Last evaluated: 2019-06-27. Review status: no assertion criteria provided. Collection method: clinical testing. Allele origin: germline.
Comment: This variant is classified as benign based on ACMG/AMP sequence variant interpretation guidelines (Richards et al. 2015 PMID: 25741868, with internal and published modifications).

NM_001378328.1(CELSR1):c.3366C>T (p.Gly1122=)

Gene: CELSR1 (cadherin EGF LAG seven-pass G-type receptor 1; minus strand). Cytogenetic location: 22q13.31.
Variant type: single nucleotide variant.
Coding change: c.3366C>T on transcript NM_001378328.1 (MANE Select); coding-DNA position 3366, C replaced by T.
Protein change: p.Gly1122=; no amino-acid change (glycine 1122 retained).
Molecular consequence: synonymous variant.
Genome position (GRCh38, 1-based): chr22:46,533,805, G>A on the plus strand (C>T on the coding strand, the complement: CELSR1 is on the minus strand). VCF-style: chr22-46533805-G-A. GRCh37 (hg19) VCF-style: chr22-46929702-G-A.
Other names: c.3366C>T, p.Gly1122= (NM_014246.4).
Identifiers: ClinVar variation 3044410 (VCV003044410.2), dbSNP rs111652796, ClinGen allele CA10295025.